The following is an entry in ClinVar:

NM_006005.3(WFS1):c.2542C>G (p.Leu848Val)

Gene: WFS1 (wolframin ER transmembrane glycoprotein; plus strand). Cytogenetic location: 4p16.1.
Variant type: single nucleotide variant.
Coding change: c.2542C>G on transcript NM_006005.3 (MANE Select); coding-DNA position 2542, C replaced by G.
Protein change: p.Leu848Val; replaces leucine 848 with valine.
Molecular consequence: missense variant.
Genome position (GRCh38, 1-based): chr4:6,302,337, C>G. VCF-style: chr4-6302337-C-G. GRCh37 (hg19) VCF-style: chr4-6304064-C-G.
Other names: c.2542C>G, p.Leu848Val (NM_001145853.1); short protein forms L848V.
Identifiers: ClinVar variation 1317387 (VCV001317387.3), dbSNP rs2109127786, ClinGen allele CA356179177.

ClinVar aggregate classification (germline): Uncertain significance. Review status: criteria provided, multiple submitters, no conflicts (2 of 4 stars). 2 submissions from 2 submitters: Uncertain significance (2). Last evaluated 2024-10-31.

Submissions (2):

Blueprint Genetics
Classification: Uncertain significance. Last evaluated: 2024-10-31. Review status: criteria provided, single submitter. Criteria: ACMG Guidelines, 2015. Collection method: clinical testing. Allele origin: germline.

GeneDx
Classification: Uncertain significance. Last evaluated: 2020-10-22. Review status: criteria provided, single submitter. Criteria: GeneDx Variant Classification Process June 2021. Collection method: clinical testing. Allele origin: germline. Affected: yes.
Comment: Not observed in large population cohorts (Lek et al., 2016); In silico analysis supports that this missense variant does not alter protein structure/function; Has not been previously published as pathogenic or benign to our knowledge